The following is an entry in ClinVar:

ClinVar aggregate classification (germline): Benign/Likely benign. Review status: criteria provided, multiple submitters, no conflicts (2 of 4 stars). 4 submissions from 4 submitters: Benign (2); Likely benign (2). Last evaluated 2026-01-15.

Allele frequency attached by ClinVar (database versions not stated): TOPMed 0.00210; 1000 Genomes Project 0.00319; 1000 Genomes Project 30x 0.00344.
gnomAD v4.1: 638 of 1,525,184 alleles (0.042%); highest among the groups gnomAD compares: African/African-American, 0.74%; 3 homozygotes.

Submissions (4):

Labcorp Genetics (formerly Invitae), Labcorp
Classification: Benign. Last evaluated: 2026-01-15. Review status: criteria provided, single submitter. Criteria: Invitae Variant Classification Sherloc (09022015). Collection method: clinical testing. Allele origin: germline.

CeGaT Center for Human Genetics Tuebingen
Classification: Likely benign. Last evaluated: 2024-12-01. Review status: criteria provided, single submitter. Criteria: CeGaT Center For Human Genetics Tuebingen Variant Classification Criteria Version 2. Collection method: clinical testing. Allele origin: germline. Affected: yes. Observed: 2 variant alleles.
Comment: PIEZO2: BP4, BP7

Blueprint Genetics
Classification: Likely benign. Last evaluated: 2024-09-09. Review status: criteria provided, single submitter. Criteria: ACMG Guidelines, 2015. Collection method: clinical testing. Allele origin: germline.

GeneDx
Classification: Benign. Last evaluated: 2021-07-29. Review status: criteria provided, single submitter. Criteria: GeneDx Variant Classification Process June 2021. Collection method: clinical testing. Allele origin: germline. Affected: yes.

NM_001378183.1(PIEZO2):c.5598G>C (p.Thr1866=)

Gene: PIEZO2 (piezo type mechanosensitive ion channel component 2; minus strand). Cytogenetic location: 18p11.22.
Variant type: single nucleotide variant.
Coding change: c.5598G>C on transcript NM_001378183.1 (MANE Select); coding-DNA position 5598, G replaced by C.
Protein change: p.Thr1866=; no amino-acid change (threonine 1866 retained).
Molecular consequence: synonymous variant.
Genome position (GRCh38, 1-based): chr18:10,705,737, C>G on the plus strand (G>C on the coding strand, the complement: PIEZO2 is on the minus strand). VCF-style: chr18-10705737-C-G. GRCh37 (hg19) VCF-style: chr18-10705735-C-G.
Other names: c.5259G>C (NM_022068.2); c.5259G>C, p.Thr1753= (NM_022068.4).
Identifiers: ClinVar variation 722632 (VCV000722632.34), dbSNP rs78023192, ClinGen allele CA8892329.